The following is an entry in ClinVar:

NM_000548.5(TSC2):c.2119A>G (p.Lys707Glu)

Gene: TSC2 (TSC complex subunit 2; plus strand). Cytogenetic location: 16p13.3.
Variant type: single nucleotide variant.
Coding change: c.2119A>G on transcript NM_000548.5 (MANE Select); coding-DNA position 2119, A replaced by G.
Protein change: p.Lys707Glu; replaces lysine 707 with glutamic acid.
Molecular consequence: missense variant.
Genome position (GRCh38, 1-based): chr16:2,072,262, A>G. VCF-style: chr16-2072262-A-G. GRCh37 (hg19) VCF-style: chr16-2122263-A-G.
Other names: c.2119A>G, p.Lys707Glu (NM_001077183.3, NM_001114382.3, NM_001363528.2 and 3 more transcripts); c.2008A>G, p.Lys670Glu (NM_001318827.2); c.1972A>G, p.Lys658Glu (NM_001318829.2); c.1519A>G, p.Lys507Glu (NM_001318831.2); c.2152A>G, p.Lys718Glu (NM_001318832.2); short protein forms K507E, K658E, K707E, K718E, K670E.
Identifiers: ClinVar variation 654904 (VCV000654904.17), dbSNP rs1596347145, ClinGen allele CA394274789.

ClinVar aggregate classification (germline): Uncertain significance. Review status: criteria provided, multiple submitters, no conflicts (2 of 4 stars). 4 submissions from 4 submitters: Uncertain significance (4). Last evaluated 2026-07-07.

Conditions:
Hereditary cancer-predisposing syndrome. Also called: Neoplastic Syndromes, Hereditary; Hereditary Cancer Syndrome; Hereditary neoplastic syndrome; Tumor predisposition. Identifiers: Orphanet 140162, MedGen C0027672, MeSH D009386, MONDO:0015356.
Tuberous sclerosis syndrome (TSC). Also called: Tuberous Sclerosis Complex; Tuberous sclerosis. Identifiers: Orphanet 805, MedGen C0041341, MONDO:0001734.
Tuberous sclerosis 2 (TSC2). Identifiers: Orphanet 805, MedGen C1860707, MONDO:0013199, OMIM 613254.

Submissions (4):

Ambry Genetics
Classification: Uncertain significance for Hereditary cancer-predisposing syndrome. Last evaluated: 2026-07-07. Review status: criteria provided, single submitter. Criteria: Ambry Variant Classification Scheme 2023. Collection method: clinical testing. Allele origin: germline.
Comment: The p.K707E variant (also known as c.2119A>G), located in coding exon 19 of the TSC2 gene, results from an A to G substitution at nucleotide position 2119. The lysine at codon 707 is replaced by glutamic acid, an amino acid with similar properties. This amino acid position is conserved. In addition, this alteration is predicted to be deleterious by in silico analysis. Based on the available evidence, the clinical significance of this variant remains unclear.

Genome-Nilou Lab
Classification: Uncertain significance for Tuberous sclerosis 2. Last evaluated: 2021-11-07. Review status: criteria provided, single submitter. Criteria: ACMG Guidelines, 2015. Collection method: clinical testing. Allele origin: germline. Affected: no.

Labcorp Genetics (formerly Invitae), Labcorp
Classification: Uncertain significance for Tuberous sclerosis 2. Last evaluated: 2019-10-21. Review status: criteria provided, single submitter. Criteria: Invitae Variant Classification Sherloc (09022015). Collection method: clinical testing. Allele origin: germline.
Comment: In summary, the available evidence is currently insufficient to determine the role of this variant in disease. Therefore, it has been classified as a Variant of Uncertain Significance. Algorithms developed to predict the effect of missense changes on protein structure and function are either unavailable or do not agree on the potential impact of this missense change (SIFT: "Deleterious"; PolyPhen-2: "Benign"; Align-GVGD: "Class C0"). This variant has not been reported in the literature in individuals with TSC2-related disease. This variant is not present in population databases (ExAC no frequency). This sequence change replaces lysine with glutamic acid at codon 707 of the TSC2 protein (p.Lys707Glu). The lysine residue is highly conserved and there is a small physicochemical difference between lysine and glutamic acid.

Illumina Laboratory Services, Illumina
Classification: Uncertain significance for Tuberous sclerosis syndrome. Last evaluated: 2018-01-12. Review status: criteria provided, single submitter. Criteria: ICSL Variant Classification Criteria 13 December 2019. Collection method: clinical testing. Allele origin: germline.